The following is an entry in ClinVar:

ClinVar aggregate classification (germline): Uncertain significance (1 of 4 stars; one submission).

Conditions:
Juvenile onset Parkinson disease 19A. Also called: PARK19; DNAJC6 Parkinson Disease. Identifiers: Orphanet 391411, MedGen C3809811, MONDO:0014231, OMIM 615528.

Submission:

Labcorp Genetics (formerly Invitae), Labcorp
Classification: Uncertain significance for Juvenile onset Parkinson disease 19A. Last evaluated: 2022-05-18. Review status: criteria provided, single submitter. Criteria: Invitae Variant Classification Sherloc (09022015). Collection method: clinical testing. Allele origin: germline.
Comment: In summary, the available evidence is currently insufficient to determine the role of this variant in disease. Therefore, it has been classified as a Variant of Uncertain Significance. Algorithms developed to predict the effect of sequence changes on RNA splicing suggest that this variant may create or strengthen a splice site. This variant has not been reported in the literature in individuals affected with DNAJC6-related conditions. This variant is not present in population databases (gnomAD no frequency). This sequence change falls in intron 10 of the DNAJC6 gene. It does not directly change the encoded amino acid sequence of the DNAJC6 protein.

NM_001256864.2(DNAJC6):c.1388-18G>A

Gene: DNAJC6 (DnaJ heat shock protein family (Hsp40) member C6; plus strand). Cytogenetic location: 1p31.3.
Variant type: single nucleotide variant.
Coding change: c.1388-18G>A on transcript NM_001256864.2 (MANE Select); 18 bases into the intron before coding-DNA position 1388, G replaced by A.
Molecular consequence: intron variant.
Genome position (GRCh38, 1-based): chr1:65,389,529, G>A. VCF-style: chr1-65389529-G-A. GRCh37 (hg19) VCF-style: chr1-65855212-G-A.
Other names: c.1178-18G>A (NM_001256865.2); c.1217-18G>A (NM_014787.4).
Identifiers: ClinVar variation 2414781 (VCV002414781.6), dbSNP rs1044896664, ClinGen allele CA23918145.